The following is an entry in ClinVar:

NM_003322.6(TULP1):c.821del (p.Lys274fs)

Gene: TULP1 (TUB like protein 1; minus strand). Cytogenetic location: 6p21.31.
Variant type: Deletion.
Coding change: c.821del on transcript NM_003322.6 (MANE Select); coding-DNA position 821, one base deleted (A; older notation c.821delA).
Protein change: p.Lys274fs; shifts the reading frame from lysine 274.
Molecular consequence: frameshift variant.
Genome position (GRCh38, 1-based): chr6:35,509,210, T deleted on the plus strand (A on the coding strand, the reverse complement: TULP1 is on the minus strand); the first of 5 consecutive T bases (chr6:35,509,210-35,509,214); deleting any one gives the same sequence. VCF-style (leftmost placement, unchanged base first): chr6-35509209-CT-C. GRCh37 (hg19) VCF-style: chr6-35476986-CT-C.
Other names: c.662del, p.Lys221fs (NM_001289395.2); short protein forms K274fs, K221fs.
Identifiers: ClinVar variation 865921 (VCV000865921.9), dbSNP rs774204108, ClinGen allele CA3772802.

ClinVar aggregate classification (germline): Pathogenic/Likely pathogenic. Review status: criteria provided, multiple submitters, no conflicts (2 of 4 stars). 4 submissions from 4 submitters: Pathogenic (1); Likely pathogenic (3). Last evaluated 2025-11-24.

Conditions:
TULP1-related disorder. Also called: TULP1-related condition; TULP1-related disorders.
Leber congenital amaurosis 15 (LCA15). Identifiers: Orphanet 65, MedGen C3151206, MONDO:0013457, OMIM 613843.
Retinitis pigmentosa 14 (RP14). Also called: RETINITIS PIGMENTOSA, JUVENILE, TULP1-RELATED. Identifiers: Orphanet 791, MedGen C1838603, MONDO:0010827, OMIM 600132.

Submissions (4):

Labcorp Genetics (formerly Invitae), Labcorp
Classification: Pathogenic. Last evaluated: 2025-11-24. Review status: criteria provided, single submitter. Criteria: Invitae Variant Classification Sherloc (09022015). Collection method: clinical testing. Allele origin: germline.
Comment: This sequence change creates a premature translational stop signal (p.Lys274Argfs*36) in the TULP1 gene. It is expected to result in an absent or disrupted protein product. Loss-of-function variants in TULP1 are known to be pathogenic (PMID: 8606774, 10549638, 15024725, 18055821). This variant is present in population databases (rs774204108, gnomAD 0.003%). This variant has not been reported in the literature in individuals affected with TULP1-related conditions. ClinVar contains an entry for this variant (Variation ID: 865921). For these reasons, this variant has been classified as Pathogenic.

Fulgent Genetics
Classification: Likely pathogenic for Retinitis pigmentosa 14; Leber congenital amaurosis 15. Last evaluated: 2024-03-23. Review status: criteria provided, single submitter. Criteria: ACMG Guidelines, 2015. Collection method: clinical testing. Allele origin: germline.

Blueprint Genetics
Classification: Likely pathogenic for TULP1-related disorders. Last evaluated: 2024-02-09. Review status: criteria provided, single submitter. Criteria: ACMG Guidelines, 2015. Collection method: clinical testing. Allele origin: germline. Affected: yes. Observed: 5 variant alleles.

Ocular Genomics Institute, Massachusetts Eye and Ear
Classification: Likely pathogenic for Retinitis pigmentosa 14. Last evaluated: 2021-04-08. Review status: criteria provided, single submitter. Criteria: ACMG Guidelines, 2015. Collection method: research. Allele origin: germline. Affected: yes.
Comment: Through a review of available evidence we were able to apply the following criteria: PVS1, PM2. Based on this evidence we have classified this variant as Likely Pathogenic.

Literature cited by the submitters: PubMed 8606774 (cited by Labcorp Genetics (formerly Invitae), Labcorp); PubMed 10549638 (cited by Labcorp Genetics (formerly Invitae), Labcorp); PubMed 15024725 (cited by Labcorp Genetics (formerly Invitae), Labcorp); PubMed 18055821 (cited by Labcorp Genetics (formerly Invitae), Labcorp).